The following is an entry in ClinVar:

ClinVar aggregate classification (germline): Uncertain significance (1 of 4 stars; one submission).

Submission:

Ambry Genetics
Classification: Uncertain significance. Last evaluated: 2023-09-29. Review status: criteria provided, single submitter. Criteria: Ambry Variant Classification Scheme 2023. Collection method: clinical testing. Allele origin: germline.
Comment: The p.V21A variant (also known as c.62T>C), located in coding exon 2 of the RECQL gene, results from a T to C substitution at nucleotide position 62. The valine at codon 21 is replaced by alanine, an amino acid with similar properties. This amino acid position is conserved. In addition, the in silico prediction for this alteration is inconclusive. Since supporting evidence is limited at this time, the clinical significance of this alteration remains unclear.

NM_002907.4(RECQL):c.62T>C (p.Val21Ala)

Gene: RECQL (RecQ like helicase; minus strand). Cytogenetic location: 12p12.1.
Variant type: single nucleotide variant.
Coding change: c.62T>C on transcript NM_002907.4 (MANE Select); coding-DNA position 62, T replaced by C.
Protein change: p.Val21Ala; replaces valine 21 with alanine.
Molecular consequence: missense variant.
Genome position (GRCh38, 1-based): chr12:21,491,671, A>G on the plus strand (T>C on the coding strand, the complement: RECQL is on the minus strand). VCF-style: chr12-21491671-A-G. GRCh37 (hg19) VCF-style: chr12-21644605-A-G.
Other names: c.62T>C, p.Val21Ala (NM_032941.3); short protein forms V21A.
Identifiers: ClinVar variation 3222980 (VCV003222980.1), dbSNP rs2540405670, ClinGen allele CA384134651.